The following is an entry in ClinVar:

ClinVar aggregate classification (germline): Uncertain significance (1 of 4 stars; one submission).

Conditions:
Neuronal ceroid lipofuscinosis. Also called: Neuronal Ceroid Lipofuscinoses. Identifiers: Orphanet 216, Orphanet 79263, MedGen C0027877, MONDO:0016295. Disease mechanism: loss of function.

Submission:

Labcorp Genetics (formerly Invitae), Labcorp
Classification: Uncertain significance for Neuronal ceroid lipofuscinosis. Last evaluated: 2022-01-15. Review status: criteria provided, single submitter. Criteria: Invitae Variant Classification Sherloc (09022015). Collection method: clinical testing. Allele origin: germline.
Comment: This sequence change replaces serine, which is neutral and polar, with phenylalanine, which is neutral and non-polar, at codon 185 of the CLN3 protein (p.Ser185Phe). This variant is not present in population databases (gnomAD no frequency). This variant has not been reported in the literature in individuals affected with CLN3-related conditions. ClinVar contains an entry for this variant (Variation ID: 1020911). Algorithms developed to predict the effect of missense changes on protein structure and function (SIFT, PolyPhen-2, Align-GVGD) all suggest that this variant is likely to be disruptive. In summary, the available evidence is currently insufficient to determine the role of this variant in disease. Therefore, it has been classified as a Variant of Uncertain Significance.

NM_001042432.2(CLN3):c.554C>T (p.Ser185Phe)

Gene: CLN3 (CLN3 lysosomal/endosomal transmembrane protein, battenin; minus strand). Cytogenetic location: 16p12.1.
Variant type: single nucleotide variant.
Coding change: c.554C>T on transcript NM_001042432.2 (MANE Select); coding-DNA position 554, C replaced by T.
Protein change: p.Ser185Phe; replaces serine 185 with phenylalanine.
Molecular consequence: missense variant.
Genome position (GRCh38, 1-based): chr16:28,486,470, G>A on the plus strand (C>T on the coding strand, the complement: CLN3 is on the minus strand). VCF-style: chr16-28486470-G-A. GRCh37 (hg19) VCF-style: chr16-28497791-G-A.
Other names: c.554C>T, p.Ser185Phe (NM_000086.2); c.482C>T, p.Ser161Phe (NM_001286104.2); c.254C>T, p.Ser85Phe (NM_001286105.2); c.320C>T, p.Ser107Phe (NM_001286109.2); c.392C>T, p.Ser131Phe (NM_001286110.2); short protein forms S107F, S131F, S161F, S185F, S85F.
Identifiers: ClinVar variation 1020911 (VCV001020911.6), dbSNP rs2046221010, ClinGen allele CA395345479.